The following is an entry in ClinVar:

NM_005592.4(MUSK):c.1969T>C (p.Tyr657His)

Gene: MUSK (muscle associated receptor tyrosine kinase; plus strand). Cytogenetic location: 9q31.3.
Variant type: single nucleotide variant.
Coding change: c.1969T>C on transcript NM_005592.4 (MANE Select); coding-DNA position 1969, T replaced by C.
Protein change: p.Tyr657His; replaces tyrosine 657 with histidine.
Molecular consequence: missense variant.
Genome position (GRCh38, 1-based): chr9:110,800,347, T>C. VCF-style: chr9-110800347-T-C. GRCh37 (hg19) VCF-style: chr9-113562627-T-C.
Other names: c.1711T>C, p.Tyr571His (NM_001166280.2); c.1681T>C, p.Tyr561His (NM_001166281.2); c.709T>C, p.Tyr237His (NM_001369398.1); c.1969T>C (NM_005592.3); short protein forms Y237H, Y561H, Y571H, Y657H.
Identifiers: ClinVar variation 1056647 (VCV001056647.9), dbSNP rs760452360, ClinGen allele CA5184541.
Genomic context (GRCh38, chr9:110,800,347, plus strand): 5'-GATGGTCTTTTGGTTCCAGGAGTGTGTGCTGTCGGGAAGCCAATGTGCCTGCTCTTTGAA[T>C]ACATGGCCTATGGTGACCTCAATGAGTTCCTCCGCAGCATGTCCCCTCACACCGTGTGCA-3'
Protein context (NP_005583.1, residues 647-667): VGKPMCLLFE[Tyr657His]MAYGDLNEFL

ClinVar aggregate classification (germline): Uncertain significance. Review status: criteria provided, multiple submitters, no conflicts (2 of 4 stars). 3 submissions from 3 submitters: Uncertain significance (3). Last evaluated 2025-10-23.

Conditions:
Fetal akinesia deformation sequence 1 (FADS1). Also called: Pena-Shokeir syndrome type I; Fetal akinesia sequence. Identifiers: Orphanet 994, MedGen C1276035, MONDO:0100101, OMIM 208150, HP:0001989.
Congenital myasthenic syndrome 9. Also called: Myasthenic syndrome, congenital, 9, associated with acetylcholine receptor deficiency. Identifiers: Orphanet 590, MedGen C4225368, MONDO:0014587, OMIM 616325.
Inborn genetic diseases. Identifiers: MedGen C0950123, MeSH D030342.

Allele frequency attached by ClinVar (database versions not stated): gnomAD 0.00001 and 0.00002; TOPMed 0.00002; ExAC 0.00001; gnomAD exomes 0.00001.
gnomAD v4.1: 19 of 1,613,646 alleles (0.0012%); highest among the groups gnomAD compares: Non-Finnish European, 0.0014%; no homozygotes.

Submissions (3):

Ambry Genetics
Classification: Uncertain significance for Inborn genetic diseases. Last evaluated: 2025-10-23. Review status: criteria provided, single submitter. Criteria: Ambry Variant Classification Scheme 2023. Collection method: clinical testing. Allele origin: germline.

Labcorp Genetics (formerly Invitae), Labcorp
Classification: Uncertain significance for Congenital myasthenic syndrome 9; Fetal akinesia deformation sequence 1. Last evaluated: 2022-06-19. Review status: criteria provided, single submitter. Criteria: Invitae Variant Classification Sherloc (09022015). Collection method: clinical testing. Allele origin: germline.
Comment: This sequence change replaces tyrosine, which is neutral and polar, with histidine, which is basic and polar, at codon 657 of the MUSK protein (p.Tyr657His). This variant is present in population databases (rs760452360, gnomAD 0.003%). This variant has not been reported in the literature in individuals affected with MUSK-related conditions. ClinVar contains an entry for this variant (Variation ID: 1056647). Advanced modeling of protein sequence and biophysical properties (such as structural, functional, and spatial information, amino acid conservation, physicochemical variation, residue mobility, and thermodynamic stability) performed at Invitae indicates that this missense variant is expected to disrupt MUSK protein function. In summary, the available evidence is currently insufficient to determine the role of this variant in disease. Therefore, it has been classified as a Variant of Uncertain Significance.

Revvity Omics, Revvity
Classification: Uncertain significance. Last evaluated: 2019-07-11. Review status: criteria provided, single submitter. Criteria: ACMG Guidelines, 2015. Collection method: clinical testing. Allele origin: germline.